The following is an entry in ClinVar:

ClinVar aggregate classification (germline): Benign/Likely benign. Review status: criteria provided, multiple submitters, no conflicts (2 of 4 stars). 3 submissions from 3 submitters: Benign (1); Likely benign (2). Last evaluated 2026-01-01.

Allele frequency attached by ClinVar (database versions not stated): gnomAD exomes 0.00033; ExAC 0.00043; 1000 Genomes Project 30x 0.00047; 1000 Genomes Project 0.00060; gnomAD 0.00115 and 0.00123; ESP Exome Variant Server 0.00154; TOPMed 0.00158.
gnomAD v4.1: 321 of 1,613,688 alleles (0.02%); highest among the groups gnomAD compares: African/African-American, 0.37%; 1 homozygote.

Submissions (3):

CeGaT Center for Human Genetics Tuebingen
Classification: Likely benign. Last evaluated: 2026-01-01. Review status: criteria provided, single submitter. Criteria: CeGaT Center For Human Genetics Tuebingen Variant Classification Criteria Version 2. Collection method: clinical testing. Allele origin: germline. Affected: yes. Observed: 1 variant allele.
Comment: HSPG2: BP4, BP7

Labcorp Genetics (formerly Invitae), Labcorp
Classification: Benign. Last evaluated: 2025-12-25. Review status: criteria provided, single submitter. Criteria: Invitae Variant Classification Sherloc (09022015). Collection method: clinical testing. Allele origin: germline.

Blueprint Genetics
Classification: Likely benign. Last evaluated: 2024-11-25. Review status: criteria provided, single submitter. Criteria: ACMG Guidelines, 2015. Collection method: clinical testing. Allele origin: germline.

NM_005529.7(HSPG2):c.12636C>T (p.Leu4212=)

Genes: HSPG2 (heparan sulfate proteoglycan 2; minus strand), LDLRAD2 (low density lipoprotein receptor class A domain containing 2; plus strand). Cytogenetic location: 1p36.12.
Variant type: single nucleotide variant.
Coding change: c.12636C>T on transcript NM_005529.7 (MANE Select); coding-DNA position 12636, C replaced by T.
Protein change: p.Leu4212=; no amino-acid change (leucine 4212 retained).
Molecular consequence: synonymous variant. On other transcripts: 3 prime UTR variant (1).
Genome position (GRCh38, 1-based): chr1:21,824,733, G>A on the plus strand (C>T on the coding strand, the complement: HSPG2 is on the minus strand). VCF-style: chr1-21824733-G-A. GRCh37 (hg19) VCF-style: chr1-22151226-G-A.
Other names: c.12639C>T, p.Leu4213= (NM_001291860.2); c.*2518G>A (NM_001013693.3).
Identifiers: ClinVar variation 736224 (VCV000736224.15), dbSNP rs142729334, ClinGen allele CA669351.
Genomic context (GRCh38, chr1:21,824,733, plus strand): 5'-GGCCCATGGGCCCTTCCAATGCCAGTCTCACCTCCTGGAGAAGACATGGCCAGGGAAGGC[G>A]AGGAAGCCATCATCGTGGAAATAGGCTCCGTACTGCCCAGGGGCATCTGTGGGAGAGAGG-3'
Protein context (NP_005520.4, residues 4202-4222): YGAYFHDDGF[Leu4212=]AFPGHVFSRS